The following is an entry in ClinVar:

ClinVar aggregate classification (germline): Benign (1 of 4 stars; one submission).

Allele frequency attached by ClinVar (database versions not stated): gnomAD exomes 0.35262; ExAC 0.38793; ESP Exome Variant Server 0.40566; gnomAD 0.40698; TOPMed 0.41697; 1000 Genomes Project 30x 0.48189; 1000 Genomes Project 0.48642.
gnomAD v4.1: 568,131 of 1,584,676 alleles (36%); highest among the groups gnomAD compares: East Asian, 56%; 106,178 homozygotes.

Submission:

Unidad de Genómica Garrahan, Hospital de Pediatría Garrahan
Classification: Benign. Last evaluated: 2024-01-24. Review status: criteria provided, single submitter. Criteria: ACMG Guidelines, 2015. Collection method: clinical testing. Allele origin: germline. Affected: no. Observed: 60 variant alleles.
Comment: This variant is classified as Benign based on local population frequency. This variant was detected in 63% of patients studied by a panel of primary immunodeficiencies. Number of patients: 60. Only high quality variants are reported.

NM_004946.3(DOCK2):c.3382-36G>A

Gene: DOCK2 (dedicator of cytokinesis 2; plus strand). Cytogenetic location: 5q35.1.
Variant type: single nucleotide variant.
Coding change: c.3382-36G>A on transcript NM_004946.3 (MANE Select); 36 bases into the intron before coding-DNA position 3382, G replaced by A.
Molecular consequence: intron variant.
Genome position (GRCh38, 1-based): chr5:170,027,827, G>A. VCF-style: chr5-170027827-G-A. GRCh37 (hg19) VCF-style: chr5-169454831-G-A.
Identifiers: ClinVar variation 2688050 (VCV002688050.2), dbSNP rs13175232, ClinGen allele CA3554195.